The following is an entry in ClinVar:

NM_001048174.2(MUTYH):c.1221C>G (p.His407Gln)

Gene: MUTYH (mutY DNA glycosylase; minus strand). Cytogenetic location: 1p34.1.
Variant type: single nucleotide variant.
Coding change: c.1221C>G on transcript NM_001048174.2 (MANE Select); coding-DNA position 1221, C replaced by G.
Protein change: p.His407Gln; replaces histidine 407 with glutamine.
Molecular consequence: missense variant. On other transcripts: non-coding transcript variant (7).
Genome position (GRCh38, 1-based): chr1:45,331,438, G>C on the plus strand (C>G on the coding strand, the complement: MUTYH is on the minus strand). VCF-style: chr1-45331438-G-C. GRCh37 (hg19) VCF-style: chr1-45797110-G-C.
Other names: c.1221C>G, p.His407Gln (NM_001048171.2, NM_001048173.2, NM_001407073.1 and 6 more transcripts); c.1224C>G, p.His408Gln (NM_001048172.2, NM_001407078.1, NM_001407071.1 and 1 more transcripts); c.1305C>G, p.His435Gln (NM_001128425.2); c.1266C>G, p.His422Gln (NM_001293190.2); c.1254C>G, p.His418Gln (NM_001293191.2, NM_001407077.1, NM_001407069.1); c.1137C>G, p.His379Gln (NM_001407075.1); c.1182C>G, p.His394Gln (NM_001407079.1); c.1179C>G, p.His393Gln (NM_001407080.1); and 5 more; short protein forms H292Q, H432Q, H394Q, H408Q, H435Q, H407Q, H414Q, H315Q.
Identifiers: ClinVar variation 4113168 (VCV004113168.1).
Genomic context (GRCh38, chr1:45,331,438, plus strand): 5'-CCTCAAAAGCCAACATCCTTGGCTATTCCGCTGCTCACTTACCTCCCCAAGGTGCCGGAG[G>C]TGCGTGGCTGGGAGGGGCCCAGCCCAACGCTGTAGTTCCTGCAGCAGGGCCTTGCGCTGA-3'
Protein context (NP_001041639.1, residues 397-417): QRWAGPLPAT[His407Gln]LRHLGEVVHT

ClinVar aggregate classification (germline): Uncertain significance (1 of 4 stars; one submission).

Conditions:
Hereditary cancer-predisposing syndrome. Also called: Tumor predisposition; Neoplastic Syndromes, Hereditary; Hereditary neoplastic syndrome; Hereditary Cancer Syndrome. Identifiers: Orphanet 140162, MedGen C0027672, MeSH D009386, MONDO:0015356.

gnomAD v4.1: 1 of 1,614,136 alleles (0.000062%); highest among the groups gnomAD compares: East Asian, 0.0022%; no homozygotes.

Submission:

Ambry Genetics
Classification: Uncertain significance for Hereditary cancer-predisposing syndrome. Last evaluated: 2025-08-27. Review status: criteria provided, single submitter. Criteria: Ambry Variant Classification Scheme 2023. Collection method: clinical testing. Allele origin: germline.
Comment: The p.H435Q variant (also known as c.1305C>G), located in coding exon 13 of the MUTYH gene, results from a C to G substitution at nucleotide position 1305. The histidine at codon 435 is replaced by glutamine, an amino acid with highly similar properties. This amino acid position is conserved. In addition, this alteration is predicted to be tolerated by in silico analysis. Based on the available evidence, the clinical significance of this variant remains unclear.